The following is an entry in ClinVar:

ClinVar aggregate classification (germline): Uncertain significance. Review status: criteria provided, multiple submitters, no conflicts (2 of 4 stars). 2 submissions from 2 submitters: Uncertain significance (2). Last evaluated 2023-06-24.

Conditions:
Colorectal cancer, susceptibility to, 1. Also called: COLORECTAL ADENOMA AND CANCER, SUSCEPTIBILITY TO; COLORECTAL CANCER, SUSCEPTIBILITY TO, ON CHROMOSOME 9. Identifiers: MedGen C1837315, MONDO:0012132, OMIM 608812.

gnomAD v4.1: 1 of 1,611,412 alleles (0.000062%); highest among the groups gnomAD compares: Non-Finnish European, 0.000085%; no homozygotes.

Submissions (2):

Ambry Genetics
Classification: Uncertain significance. Last evaluated: 2023-06-24. Review status: criteria provided, single submitter. Criteria: Ambry Variant Classification Scheme 2023. Collection method: clinical testing. Allele origin: germline.
Comment: The p.R186G variant (also known as c.556C>G), located in coding exon 3 of the GALNT12 gene, results from a C to G substitution at nucleotide position 556. The arginine at codon 186 is replaced by glycine, an amino acid with dissimilar properties. This amino acid position is conserved. In addition, this alteration is predicted to be tolerated by in silico analysis. Since supporting evidence is limited at this time, the clinical significance of this alteration remains unclear.

Department of Pathology and Laboratory Medicine, Sinai Health System
Classification: Uncertain significance for Colorectal cancer, susceptibility to, 1. Last evaluated: 2022-03-21. Review status: criteria provided, single submitter. Criteria: ACMG Guidelines, 2015. Collection method: clinical testing. Allele origin: germline. Affected: yes.

NM_024642.5(GALNT12):c.556C>G (p.Arg186Gly)

Gene: GALNT12 (polypeptide N-acetylgalactosaminyltransferase 12; plus strand). Cytogenetic location: 9q22.33.
Variant type: single nucleotide variant.
Coding change: c.556C>G on transcript NM_024642.5 (MANE Select); coding-DNA position 556, C replaced by G.
Protein change: p.Arg186Gly; replaces arginine 186 with glycine.
Molecular consequence: missense variant.
Genome position (GRCh38, 1-based): chr9:98,826,766, C>G. VCF-style: chr9-98826766-C-G. GRCh37 (hg19) VCF-style: chr9-101589048-C-G.
Other names: short protein forms R186G.
Identifiers: ClinVar variation 2624764 (VCV002624764.3), dbSNP rs750758049, ClinGen allele CA374217286.